The following is an entry in ClinVar:

ClinVar aggregate classification (germline): Pathogenic. Review status: criteria provided, multiple submitters, no conflicts (2 of 4 stars). 2 submissions from 2 submitters: Pathogenic (2). Last evaluated 2024-03-17.

Conditions:
Arthrogryposis, distal, type 2B2. Identifiers: MedGen C5193097, MONDO:0032750, OMIM 618435.

Allele frequency attached by ClinVar (database versions not stated): gnomAD exomes below 0.00001.
gnomAD v4.1: 1 of 1,613,246 alleles (0.000062%); highest among the groups gnomAD compares: Non-Finnish European, 0.000085%; no homozygotes.

Submissions (2):

Genomic Medicine Center of Excellence, King Faisal Specialist Hospital and Research Centre
Classification: Pathogenic for Arthrogryposis, distal, type 2B2. Last evaluated: 2024-03-17. Review status: criteria provided, single submitter. Criteria: ACMG Guidelines, 2015. Collection method: research. Allele origin: germline.

Baylor Genetics
Classification: Pathogenic for Arthrogryposis, distal, type 2B2. Last evaluated: 2020-05-05. Review status: criteria provided, single submitter. Criteria: ACMG Guidelines, 2015. Collection method: clinical testing. Allele origin: unknown. Affected: yes.
Comment: This variant was determined to be pathogenic according to ACMG Guidelines, 2015 [PMID:25741868].

NM_006757.4(TNNT3):c.723-2A>G

Gene: TNNT3 (troponin T3, fast skeletal type; plus strand). Cytogenetic location: 11p15.5.
Variant type: single nucleotide variant.
Coding change: c.723-2A>G on transcript NM_006757.4 (MANE Select); the canonical splice acceptor site of the intron before coding-DNA position 723, A replaced by G.
Molecular consequence: splice acceptor variant.
Genome position (GRCh38, 1-based): chr11:1,938,436, A>G. VCF-style: chr11-1938436-A-G. GRCh37 (hg19) VCF-style: chr11-1959666-A-G.
Other names: c.699-2A>G (NM_001297646.2, NM_001042780.3, NM_001042782.3 and 2 more transcripts); c.756-2A>G (NM_001367846.1); c.732-2A>G (NM_001363561.2, NM_001367847.1); c.717-2A>G (NM_001042781.3, NM_001367843.1, NM_001367842.1); c.720-2A>G (NM_001367848.1); c.666-2A>G (NM_001367850.1); c.519-2A>G (NM_001367851.1, NM_001367852.1); c.711-2A>G (NM_001367849.1).
Identifiers: ClinVar variation 1028551 (VCV001028551.3), dbSNP rs1855785074, ClinGen allele CA379100525.